The following is an entry in ClinVar:

ClinVar aggregate classification (germline): Uncertain significance (1 of 4 stars; one submission).

gnomAD v4.1: 3 of 1,209,340 alleles (0.00025%); highest among the groups gnomAD compares: Admixed American, 0.0022%; no homozygotes.

Submission:

Labcorp Genetics (formerly Invitae), Labcorp
Classification: Uncertain significance. Last evaluated: 2024-10-02. Review status: criteria provided, single submitter. Criteria: Invitae Variant Classification Sherloc (09022015). Collection method: clinical testing. Allele origin: germline.
Comment: This sequence change replaces lysine, which is basic and polar, with arginine, which is basic and polar, at codon 730 of the ABCB7 protein (p.Lys730Arg). This variant is not present in population databases (gnomAD no frequency). This variant has not been reported in the literature in individuals affected with ABCB7-related conditions. An algorithm developed to predict the effect of missense changes on protein structure and function (PolyPhen-2) suggests that this variant is likely to be disruptive. In summary, the available evidence is currently insufficient to determine the role of this variant in disease. Therefore, it has been classified as a Variant of Uncertain Significance.

NM_001271696.3(ABCB7):c.2186A>G (p.Lys729Arg)

Gene: ABCB7 (ATP binding cassette subfamily B member 7; minus strand). Cytogenetic location: Xq13.3.
Variant type: single nucleotide variant.
Coding change: c.2186A>G on transcript NM_001271696.3 (MANE Select); coding-DNA position 2186, A replaced by G.
Protein change: p.Lys729Arg; replaces lysine 729 with arginine.
Molecular consequence: missense variant.
Genome position (GRCh38, 1-based): chrX:75,053,443, T>C on the plus strand (A>G on the coding strand, the complement: ABCB7 is on the minus strand). VCF-style: chrX-75053443-T-C. GRCh37 (hg19) VCF-style: chrX-74273278-T-C.
Other names: c.2066A>G, p.Lys689Arg (NM_001271697.3); c.2108A>G, p.Lys703Arg (NM_001271698.3); c.2069A>G, p.Lys690Arg (NM_001271699.3); c.2189A>G, p.Lys730Arg (NM_004299.6); short protein forms K730R, K689R, K703R, K729R, K690R.
Identifiers: ClinVar variation 3676205 (VCV003676205.2), dbSNP rs863223869.